The following is an entry in ClinVar:

ClinVar aggregate classification (germline): Benign. Review status: criteria provided, multiple submitters, no conflicts (2 of 4 stars). 10 submissions from 10 submitters: Benign (8). 2 of the submissions do not count toward it. Last evaluated 2026-07-01.

Conditions:
Glycogen storage disease, type II (IOPD). Also called: CARDIOMEGALIA GLYCOGENICA DIFFUSA; GLYCOGEN STORAGE DISEASE II, INFANTILE-ONSET; POMPE DISEASE, INFANTILE-ONSET; ACID ALPHA-GLUCOSIDASE DEFICIENCY, INFANTILE-ONSET; GAA DEFICIENCY, INFANTILE-ONSET; ACID MALTASE DEFICIENCY, INFANTILE-ONSET. Identifiers: Orphanet 365, MedGen C0017921, MONDO:0009290, OMIM 232300.

Allele frequency attached by ClinVar (database versions not stated): 1000 Genomes Project 30x 0.60353; 1000 Genomes Project 0.60563; TOPMed 0.63796; gnomAD 0.65696 and 0.65710; gnomAD exomes 0.66798 and 0.71241; ESP Exome Variant Server 0.66915; ExAC 0.67576.
gnomAD v4.1: 1,134,050 of 1,603,762 alleles (71%); highest among the groups gnomAD compares: Middle Eastern, 80%; 405,210 homozygotes.

Submissions (10):

Genomenon, Inc
Classification: Benign for Glycogen storage disease, type II. Last evaluated: 2026-07-01. Review status: criteria provided, single submitter. Criteria: Genomenon Sequence Variant Interpretation Standards - Updated. Collection method: curation. Allele origin: germline. Affected: no.
Comment: GAA c.547-39T>G is an intronic variant located in intron 2. This variant is present at high allele frequency in population databases. We classify GAA c.547-39T>G as a benign variant.

Labcorp Genetics (formerly Invitae), Labcorp
Classification: Benign for Glycogen storage disease, type II. Last evaluated: 2026-02-02. Review status: criteria provided, single submitter. Criteria: Invitae Variant Classification Sherloc (09022015). Collection method: clinical testing. Allele origin: germline.

Genome-Nilou Lab
Classification: Benign for Glycogen storage disease, type II. Last evaluated: 2021-06-10. Review status: criteria provided, single submitter. Criteria: ACMG Guidelines, 2015. Collection method: clinical testing. Allele origin: germline. Affected: no.

Broad Center for Mendelian Genomics, Broad Institute of MIT and Harvard
Classification: Benign for Glycogen storage disease, type II. Last evaluated: 2020-01-22. Review status: criteria provided, single submitter. Criteria: ACMG Guidelines, 2015. Collection method: curation. Allele origin: germline. Inheritance: Autosomal recessive inheritance.
Comment: The c.547-39T>G variant in GAA has been reported in at least 6 individuals with suspected glycogen storage disease II (PMID: 28032299, 25681614), and has also been reported in ClinVar (VariationID: 255363) as benign by EGL Genetic Diagnostics and PreventionGenetics. This variant has been identified in 77.9% (8028/10312) of Ashkenazi Jewish chromosomes, including 3120 homozygotes, and is present at high frequencies in other populations, by the Genome Aggregation Database (gnomAD; dbSNP rs12452721). This variant has been seen in the general population at a frequency high enough to rule out a pathogenic role. Computational prediction tools, including splice predictors, and conservation analyses suggest that this variant may not impact the protein, though this information is not predictive enough to rule out pathogenicity. In summary, this variant meets criteria to be classified as benign for glycogen storage disease II in an autosomal recessive manner based on high frequency in the general population. ACMG/AMP Criteria applied: BA1, BP7, BP4 (Richards 2015).

GeneDx
Classification: Benign. Last evaluated: 2018-12-05. Review status: criteria provided, single submitter. Criteria: GeneDx Variant Classification Process June 2021. Collection method: clinical testing. Allele origin: germline. Affected: yes.
Comment: This variant is associated with the following publications: (PMID: 30595407, 24008937, 25681614, 28032299)

Eurofins Ntd Llc (ga)
Classification: Benign. Last evaluated: 2017-08-07. Review status: criteria provided, single submitter. Criteria: EGL Classification Definitions 2015. Collection method: clinical testing. Allele origin: germline. Observed: 15 variant alleles, 8 heterozygotes, 6 homozygotes.

Breakthrough Genomics
Classification: Benign. Review status: criteria provided, single submitter. Criteria: ACMG Guidelines, 2015. Collection method: not provided. Allele origin: germline. Inheritance: Autosomal recessive inheritance. Affected: yes.

PreventionGenetics, part of Exact Sciences
Classification: Benign. Review status: criteria provided, single submitter. Criteria: ACMG Guidelines, 2015. Collection method: clinical testing. Allele origin: germline.

Genome Diagnostics Laboratory, University Medical Center Utrecht
Classification: Benign. Review status: no assertion criteria provided. Collection method: clinical testing. Allele origin: germline. Affected: yes. Study: VKGL Data-share Consensus. Not counted in ClinVar's aggregate classification.

Joint Genome Diagnostic Labs from Nijmegen and Maastricht, Radboudumc and MUMC+
Classification: Benign. Review status: no assertion criteria provided. Collection method: clinical testing. Allele origin: germline. Affected: yes. Study: VKGL Data-share Consensus. Not counted in ClinVar's aggregate classification.

Literature cited by the submitters: PubMed 17915575 (cited by Broad Center for Mendelian Genomics, Broad Institute of MIT and Harvard).

NM_000152.5(GAA):c.547-39T>G

Gene: GAA (alpha glucosidase; plus strand). Cytogenetic location: 17q25.3.
Variant type: single nucleotide variant.
Coding change: c.547-39T>G on transcript NM_000152.5 (MANE Select); 39 bases into the intron before coding-DNA position 547, T replaced by G.
Molecular consequence: intron variant.
Genome position (GRCh38, 1-based): chr17:80,105,710, T>G. VCF-style: chr17-80105710-T-G. GRCh37 (hg19) VCF-style: chr17-78079509-T-G.
Other names: c.547-39T>G (LRG_673t1, NM_001079803.3, NM_001079804.3).
Identifiers: ClinVar variation 255363 (VCV000255363.25), dbSNP rs12452721, ClinGen allele CA8814921.